The following is an entry in ClinVar:

NM_023110.3(FGFR1):c.1907T>A (p.Val636Glu)

Gene: FGFR1 (fibroblast growth factor receptor 1; minus strand). Cytogenetic location: 8p11.23.
Variant type: single nucleotide variant.
Coding change: c.1907T>A on transcript NM_023110.3 (MANE Select); coding-DNA position 1907, T replaced by A.
Protein change: p.Val636Glu; replaces valine 636 with glutamic acid.
Molecular consequence: missense variant.
Genome position (GRCh38, 1-based): chr8:38,414,849, A>T on the plus strand (T>A on the coding strand, the complement: FGFR1 is on the minus strand). VCF-style: chr8-38414849-A-T. GRCh37 (hg19) VCF-style: chr8-38272367-A-T.
Other names: c.1901T>A, p.Val634Glu (NM_001174063.2, NM_001174065.2, NM_001354367.2 and 1 more transcripts); c.1877T>A, p.Val626Glu (NM_001174064.2); c.1640T>A, p.Val547Glu (NM_001174066.2, NM_023105.3); c.2000T>A, p.Val667Glu (NM_001174067.2); c.1628T>A, p.Val543Glu (NM_001354368.2); c.1895T>A, p.Val632Glu (NM_001354369.2); c.1634T>A, p.Val545Glu (NM_001354370.2, NM_023106.3); short protein forms V543E, V545E, V547E, V626E, V632E, V634E, V636E, V667E.
Identifiers: ClinVar variation 1313295 (VCV001313295.5), dbSNP rs2150563316, ClinGen allele CA370730389.

ClinVar aggregate classification (germline): Uncertain significance. Review status: criteria provided, multiple submitters, no conflicts (2 of 4 stars). 2 submissions from 2 submitters: Uncertain significance (2). Last evaluated 2023-02-27.

Conditions:
Hypogonadotropic hypogonadism 2 with or without anosmia (HH2). Also called: HYPOGONADOTROPIC HYPOGONADISM 2 WITHOUT ANOSMIA; FGFR1-Related GnRH Deficiency (Kallmann Syndrome 2); HYPOGONADOTROPIC HYPOGONADISM 2 WITH OR WITHOUT ANOSMIA, SUSCEPTIBILITY TO; HYPOGONADOTROPIC HYPOGONADISM 2 WITHOUT ANOSMIA, SUSCEPTIBILITY TO. Identifiers: Orphanet 478, MedGen C1563720, MONDO:0007844, OMIM 147950. Disease mechanism: loss of function.
Pfeiffer syndrome (ACS5). Also called: ACS V. Identifiers: Orphanet 710, MedGen C0220658, MONDO:0007043, OMIM 101600.

Submissions (2):

Labcorp Genetics (formerly Invitae), Labcorp
Classification: Uncertain significance for Pfeiffer syndrome; Hypogonadotropic hypogonadism 2 with or without anosmia. Last evaluated: 2023-02-27. Review status: criteria provided, single submitter. Criteria: Invitae Variant Classification Sherloc (09022015). Collection method: clinical testing. Allele origin: germline.
Comment: This sequence change replaces valine, which is neutral and non-polar, with glutamic acid, which is acidic and polar, at codon 636 of the FGFR1 protein (p.Val636Glu). This variant is not present in population databases (gnomAD no frequency). This variant has not been reported in the literature in individuals affected with FGFR1-related conditions. ClinVar contains an entry for this variant (Variation ID: 1313295). Advanced modeling of protein sequence and biophysical properties (such as structural, functional, and spatial information, amino acid conservation, physicochemical variation, residue mobility, and thermodynamic stability) performed at Invitae indicates that this missense variant is expected to disrupt FGFR1 protein function. In summary, the available evidence is currently insufficient to determine the role of this variant in disease. Therefore, it has been classified as a Variant of Uncertain Significance.

GeneDx
Classification: Uncertain significance. Last evaluated: 2020-10-12. Review status: criteria provided, single submitter. Criteria: GeneDx Variant Classification Process June 2021. Collection method: clinical testing. Allele origin: germline. Affected: yes.
Comment: Not observed in large population cohorts (Lek et al., 2016); In silico analysis supports that this missense variant has a deleterious effect on protein structure/function; Has not been previously published as pathogenic or benign to our knowledge